The following is an entry in ClinVar:

NM_005633.4(SOS1):c.3560C>G (p.Pro1187Arg)

Gene: SOS1 (SOS Ras/Rac guanine nucleotide exchange factor 1; minus strand). Cytogenetic location: 2p22.1.
Variant type: single nucleotide variant.
Coding change: c.3560C>G on transcript NM_005633.4 (MANE Select); coding-DNA position 3560, C replaced by G.
Protein change: p.Pro1187Arg; replaces proline 1187 with arginine.
Molecular consequence: missense variant.
Genome position (GRCh38, 1-based): chr2:38,986,266, G>C on the plus strand (C>G on the coding strand, the complement: SOS1 is on the minus strand). VCF-style: chr2-38986266-G-C. GRCh37 (hg19) VCF-style: chr2-39213407-G-C.
Other names: c.3539C>G, p.Pro1180Arg (NM_001382394.1); c.3515C>G, p.Pro1172Arg (NM_001382395.1); short protein forms P1172R, P1180R, P1187R.
Identifiers: ClinVar variation 4532616 (VCV004532616.1).
Genomic context (GRCh38, chr2:38,986,266, plus strand): 5'-GGGTCTGAGATAGAGGTCCGGTCTGATATTGAATATCGTGGTGAATAGGCTTTTGATGTG[G>C]GTTGCCTAGGAGGAATGGCTGGGGGACTGTCCAAATGCTTAGACATAATCTAACAAATGA-3'
Protein context (NP_005624.2, residues 1177-1197): DSPPAIPPRQ[Pro1187Arg]TSKAYSPRYS

ClinVar aggregate classification (germline): Uncertain significance (1 of 4 stars; one submission).

Submission:

GeneDx
Classification: Uncertain significance. Last evaluated: 2025-05-30. Review status: criteria provided, single submitter. Criteria: GeneDx Variant Classification Process June 2021. Collection method: clinical testing. Allele origin: germline. Affected: yes.
Comment: Not observed at significant frequency in large population cohorts (gnomAD); Missense variants in this gene are a common cause of disease and they are underrepresented in the general population; In silico analysis supports that this missense variant has a deleterious effect on protein structure/function; Has not been previously published as pathogenic or benign to our knowledge; This variant is associated with the following publications: (PMID: 29493581)